The following is an entry in ClinVar:

NM_000540.3(RYR1):c.11616G>T (p.Lys3872Asn)

Gene: RYR1 (ryanodine receptor 1; plus strand). Cytogenetic location: 19q13.2.
Variant type: single nucleotide variant.
Coding change: c.11616G>T on transcript NM_000540.3 (MANE Select); coding-DNA position 11616, G replaced by T.
Protein change: p.Lys3872Asn; replaces lysine 3872 with asparagine.
Molecular consequence: missense variant.
Genome position (GRCh38, 1-based): chr19:38,537,887, G>T. VCF-style: chr19-38537887-G-T. GRCh37 (hg19) VCF-style: chr19-39028527-G-T.
Other names: c.11601G>T, p.Lys3867Asn (NM_001042723.2); short protein forms K3867N, K3872N.
Identifiers: ClinVar variation 5028627 (VCV005028627.1).

ClinVar aggregate classification (germline): Uncertain significance (1 of 4 stars; one submission).

Conditions:
Inborn genetic diseases. Identifiers: MedGen C0950123, MeSH D030342.

gnomAD v4.1: 2 of 1,614,080 alleles (0.00012%); highest among the groups gnomAD compares: Non-Finnish European, 0.00017%; no homozygotes.

Submission:

Ambry Genetics
Classification: Uncertain significance for Inborn genetic diseases. Last evaluated: 2026-07-06. Review status: criteria provided, single submitter. Criteria: Ambry Variant Classification Scheme 2023. Collection method: clinical testing. Allele origin: germline.
Comment: The p.K3872N variant (also known as c.11616G>T), located in coding exon 84 of the RYR1 gene, results from a G to T substitution at nucleotide position 11616. The lysine at codon 3872 is replaced by asparagine, an amino acid with similar properties. This amino acid position is conserved. In addition, the in silico prediction for this alteration is inconclusive. Based on the available evidence, the clinical significance of this variant remains unclear.